The following is an entry in ClinVar:

NM_001252024.2(TRPM1):c.3134C>G (p.Ala1045Gly)

Genes: TRPM1 (transient receptor potential cation channel subfamily M member 1; minus strand), TRPM1-AS1 (TRPM1 antisense RNA 1; plus strand). Cytogenetic location: 15q13.3.
Variant type: single nucleotide variant.
Coding change: c.3134C>G on transcript NM_001252024.2 (MANE Select); coding-DNA position 3134, C replaced by G.
Protein change: p.Ala1045Gly; replaces alanine 1045 with glycine.
Molecular consequence: missense variant.
Genome position (GRCh38, 1-based): chr15:31,029,385, G>C on the plus strand (C>G on the coding strand, the complement: TRPM1 is on the minus strand). VCF-style: chr15-31029385-G-C. GRCh37 (hg19) VCF-style: chr15-31321588-G-C.
Other names: c.3185C>G, p.Ala1062Gly (NM_001252020.2); c.3068C>G, p.Ala1023Gly (NM_002420.6); short protein forms A1023G, A1045G, A1062G.
Identifiers: ClinVar variation 4855470 (VCV004855470.1).
Genomic context (GRCh38, chr15:31,029,385, plus strand): 5'-AAAACACATTCCATAGACTAGAATAATCAATTCCATGTAAACTTACGATTAATTTCCATG[G>C]CGTAGACTACATGACGATTGGAAAGCAGGATTTTTGTTTTGTTTTGTTTTGACAGGAGGG-3'
Protein context (NP_001238953.1, residues 1035-1055): EVFADQIDLY[Ala1045Gly]MEINPPCGEN

ClinVar aggregate classification (germline): Uncertain significance (1 of 4 stars; one submission).

Conditions:
Congenital stationary night blindness 1C. Also called: Night blindness, congenital stationary (complete), 1C, autosomal recessive. Identifiers: Orphanet 215, MedGen C2750747, MONDO:0013183, OMIM 613216.

Submission:

3billion
Classification: Uncertain significance for Congenital stationary night blindness 1C. Last evaluated: 2025-07-08. Review status: criteria provided, single submitter. Criteria: ACMG Guidelines, 2015. Collection method: clinical testing. Allele origin: germline. Affected: yes.
Comment: The variant is not observed in the gnomAD v4.1.0 dataset. Predicted Consequence/Location: Missense variant. The majority of the known disease-causing variants of this gene are variants expected to result in premature termination of the protein. Damaging effect on gene or gene product predicted by in silico programs is uncertain [REVEL: 0.57 (damaging >=0.6, benign <0.4), 3Cnet: 0.25 (damaging >0.75, benign <0.1)]. Therefore, this variant is classified as VUS according to the recommendation of ACMG/AMP guideline.